The following is an entry in ClinVar:

ClinVar aggregate classification (germline): Uncertain significance (1 of 4 stars; one submission).

Conditions:
Inborn genetic diseases. Identifiers: MedGen C0950123, MeSH D030342.

Submission:

Ambry Genetics
Classification: Uncertain significance for Inborn genetic diseases. Last evaluated: 2021-12-04. Review status: criteria provided, single submitter. Criteria: Ambry Variant Classification Scheme 2023. Collection method: clinical testing. Allele origin: germline.
Comment: The p.R1300G variant (also known as c.3898C>G), located in coding exon 21 of the ATR gene, results from a C to G substitution at nucleotide position 3898. The arginine at codon 1300 is replaced by glycine, an amino acid with dissimilar properties. This amino acid position is conserved. In addition, the in silico prediction for this alteration is inconclusive. Since supporting evidence is limited at this time, the clinical significance of this alteration remains unclear.

NM_001184.4(ATR):c.3898C>G (p.Arg1300Gly)

Gene: ATR (ATR checkpoint kinase; minus strand). Cytogenetic location: 3q23.
Variant type: single nucleotide variant.
Coding change: c.3898C>G on transcript NM_001184.4 (MANE Select); coding-DNA position 3898, C replaced by G.
Protein change: p.Arg1300Gly; replaces arginine 1300 with glycine.
Molecular consequence: missense variant.
Genome position (GRCh38, 1-based): chr3:142,535,127, G>C on the plus strand (C>G on the coding strand, the complement: ATR is on the minus strand). VCF-style: chr3-142535127-G-C. GRCh37 (hg19) VCF-style: chr3-142253969-G-C.
Other names: c.3706C>G, p.Arg1236Gly (NM_001354579.2); short protein forms R1300G, R1236G.
Identifiers: ClinVar variation 1735956 (VCV001735956.2), dbSNP rs779170933, ClinGen allele CA354806069.
Genomic context (GRCh38, chr3:142,535,127, plus strand): 5'-CATATTAGCATACCTGATTTTTATACAAGGTTTCCTTCAAGCTTGTAAGAGCATGAATAC[G>C]AACATCGACATTTTCATGTTGAATGGCCTTCATAGAGAGCTGAAGAGTTGTCTGAAGATC-3'
Protein context (NP_001175.2, residues 1290-1310): KAIQHENVDV[Arg1300Gly]IHALTSLKET